The following is an entry in ClinVar:

NM_172070.4(UBR3):c.3702T>C (p.Tyr1234=)

Gene: UBR3 (ubiquitin protein ligase E3 component n-recognin 3; plus strand). Cytogenetic location: 2q31.1.
Variant type: single nucleotide variant.
Coding change: c.3702T>C on transcript NM_172070.4 (MANE Select); coding-DNA position 3702, T replaced by C.
Protein change: p.Tyr1234=; no amino-acid change (tyrosine 1234 retained).
Molecular consequence: synonymous variant.
Genome position (GRCh38, 1-based): chr2:169,986,712, T>C. VCF-style: chr2-169986712-T-C. GRCh37 (hg19) VCF-style: chr2-170843222-T-C.
Identifiers: ClinVar variation 3045254 (VCV003045254.2), dbSNP rs749728754, ClinGen allele CA1960104.

ClinVar aggregate classification (germline): Likely benign (0 of 4 stars; one submission).

Conditions:
UBR3-related disorder. Also called: UBR3-related condition.

Allele frequency attached by ClinVar (database versions not stated): ExAC 0.00003; gnomAD 0.00003; TOPMed 0.00005; gnomAD exomes 0.00012.
gnomAD v4.1: 183 of 1,613,984 alleles (0.011%); highest among the groups gnomAD compares: Non-Finnish European, 0.015%; no homozygotes.

Submission:

PreventionGenetics, part of Exact Sciences
Classification: Likely benign for UBR3-related condition. Last evaluated: 2019-10-30. Review status: no assertion criteria provided. Collection method: clinical testing. Allele origin: germline.
Comment: This variant is classified as likely benign based on ACMG/AMP sequence variant interpretation guidelines (Richards et al. 2015 PMID: 25741868, with internal and published modifications).